The following is an entry in ClinVar:

NM_003924.4(PHOX2B):c.256T>A (p.Phe86Ile)

Gene: PHOX2B (paired like homeobox 2B; minus strand). Cytogenetic location: 4p13.
Variant type: single nucleotide variant.
Coding change: c.256T>A on transcript NM_003924.4 (MANE Select); coding-DNA position 256, T replaced by A.
Protein change: p.Phe86Ile; replaces phenylalanine 86 with isoleucine.
Molecular consequence: missense variant.
Genome position (GRCh38, 1-based): chr4:41,747,522, A>T on the plus strand (T>A on the coding strand, the complement: PHOX2B is on the minus strand). VCF-style: chr4-41747522-A-T. GRCh37 (hg19) VCF-style: chr4-41749539-A-T.
Other names: short protein forms F86I.
Identifiers: ClinVar variation 1368973 (VCV001368973.12), dbSNP rs1733949305, ClinGen allele CA356740570.
Genomic context (GRCh38, chr4:41,747,522, plus strand): 5'-TGAAAGTGGTGCGGATGCGCCGCTGCTTGCGCTTCTCGTTGAGGCCGCCGTGGTCCGTGA[A>T]GAGTTTGTAAGGAACTAGAGTATGACAGAGGAGACAGAAAGTGAGCAAATCAGCCGGCAG-3'
Protein context (NP_003915.2, residues 76-96): SPYAAVPYKL[Phe86Ile]TDHGGLNEKR

ClinVar aggregate classification (germline): Uncertain significance. Review status: criteria provided, multiple submitters, no conflicts (2 of 4 stars). 3 submissions from 3 submitters: Uncertain significance (3). Last evaluated 2025-05-31.

Conditions:
Hereditary cancer-predisposing syndrome. Also called: Neoplastic Syndromes, Hereditary; Tumor predisposition; Hereditary neoplastic syndrome; Hereditary Cancer Syndrome. Identifiers: Orphanet 140162, MedGen C0027672, MeSH D009386, MONDO:0015356.
Haddad syndrome (OHD). Also called: Ondine-Hirschsprung disease. Identifiers: Orphanet 99803, MedGen C1859049, MONDO:0020493.

Allele frequency attached by ClinVar (database versions not stated): gnomAD exomes below 0.00001; TOPMed below 0.00001.

Submissions (3):

Ambry Genetics
Classification: Uncertain significance for Hereditary cancer-predisposing syndrome. Last evaluated: 2025-05-31. Review status: criteria provided, single submitter. Criteria: Ambry Variant Classification Scheme 2023. Collection method: clinical testing. Allele origin: germline.
Comment: The p.F86I variant (also known as c.256T>A), located in coding exon 2 of the PHOX2B gene, results from a T to A substitution at nucleotide position 256. The phenylalanine at codon 86 is replaced by isoleucine, an amino acid with highly similar properties. This amino acid position is highly conserved in available vertebrate species. In addition, the in silico prediction for this alteration is inconclusive. Since supporting evidence is limited at this time, the clinical significance of this alteration remains unclear.

Labcorp Genetics (formerly Invitae), Labcorp
Classification: Uncertain significance for Haddad syndrome. Last evaluated: 2024-05-22. Review status: criteria provided, single submitter. Criteria: Invitae Variant Classification Sherloc (09022015). Collection method: clinical testing. Allele origin: germline.
Comment: This sequence change replaces phenylalanine, which is neutral and non-polar, with isoleucine, which is neutral and non-polar, at codon 86 of the PHOX2B protein (p.Phe86Ile). This variant is not present in population databases (gnomAD no frequency). This variant has not been reported in the literature in individuals affected with PHOX2B-related conditions. ClinVar contains an entry for this variant (Variation ID: 1368973). Advanced modeling of protein sequence and biophysical properties (such as structural, functional, and spatial information, amino acid conservation, physicochemical variation, residue mobility, and thermodynamic stability) performed at Invitae indicates that this missense variant is not expected to disrupt PHOX2B protein function with a negative predictive value of 80%. In summary, the available evidence is currently insufficient to determine the role of this variant in disease. Therefore, it has been classified as a Variant of Uncertain Significance.

GeneDx
Classification: Uncertain significance. Last evaluated: 2024-03-15. Review status: criteria provided, single submitter. Criteria: GeneDx Variant Classification Process June 2021. Collection method: clinical testing. Allele origin: germline. Affected: yes.
Comment: Not observed at significant frequency in large population cohorts (gnomAD); In silico analysis supports that this missense variant has a deleterious effect on protein structure/function; Has not been previously published as pathogenic or benign to our knowledge